The following is an entry in ClinVar:

NM_021076.4(NEFH):c.627C>G (p.Ala209=)

Gene: NEFH (neurofilament heavy chain; plus strand). Cytogenetic location: 22q12.2.
Variant type: single nucleotide variant.
Coding change: c.627C>G on transcript NM_021076.4 (MANE Select); coding-DNA position 627, C replaced by G.
Protein change: p.Ala209=; no amino-acid change (alanine 209 retained).
Molecular consequence: synonymous variant.
Genome position (GRCh38, 1-based): chr22:29,480,889, C>G. VCF-style: chr22-29480889-C-G. GRCh37 (hg19) VCF-style: chr22-29876878-C-G.
Other names: p.Ala209=.
Identifiers: ClinVar variation 757524 (VCV000757524.36), dbSNP rs562497163, ClinGen allele CA10174024.

ClinVar aggregate classification (germline): Benign/Likely benign. Review status: criteria provided, multiple submitters, no conflicts (2 of 4 stars). 5 submissions from 5 submitters: Benign (3); Likely benign (1). 1 of the submissions does not count toward it. Last evaluated 2025-10-02.

Conditions:
NEFH-related disorder. Also called: NEFH-related condition.

Allele frequency attached by ClinVar (database versions not stated): ExAC below 0.00001; gnomAD exomes 0.00005 and 0.00008; 1000 Genomes Project 0.00060; TOPMed 0.00105; gnomAD 0.00113 and 0.00119; 1000 Genomes Project 30x 0.00203.

Submissions (5):

Labcorp Genetics (formerly Invitae), Labcorp
Classification: Benign. Last evaluated: 2025-10-02. Review status: criteria provided, single submitter. Criteria: Invitae Variant Classification Sherloc (09022015). Collection method: clinical testing. Allele origin: germline.

Mayo Clinic Laboratories, Mayo Clinic
Classification: Benign. Last evaluated: 2023-07-17. Review status: criteria provided, single submitter. Criteria: ACMG Guidelines, 2015. Collection method: clinical testing. Allele origin: germline. Observed: 2 variant alleles.
Comment: BS1, BS2, BP4, BP7

CeGaT Center for Human Genetics Tuebingen
Classification: Likely benign. Last evaluated: 2022-09-01. Review status: criteria provided, single submitter. Criteria: CeGaT Center For Human Genetics Tuebingen Variant Classification Criteria Version 2. Collection method: clinical testing. Allele origin: germline. Affected: yes. Observed: 1 variant allele.
Comment: NEFH: BP4, BP7

Breakthrough Genomics
Classification: Benign. Review status: criteria provided, single submitter. Criteria: ACMG Guidelines, 2015. Collection method: not provided. Allele origin: germline. Inheritance: Autosomal recessive inheritance. Affected: yes.

PreventionGenetics, part of Exact Sciences
Classification: Likely benign for NEFH-related condition. Last evaluated: 2024-01-30. Review status: no assertion criteria provided. Collection method: clinical testing. Allele origin: germline. Not counted in ClinVar's aggregate classification.
Comment: This variant is classified as likely benign based on ACMG/AMP sequence variant interpretation guidelines (Richards et al. 2015 PMID: 25741868, with internal and published modifications).